The following is an entry in ClinVar:

ClinVar aggregate classification (germline): Likely benign. Review status: criteria provided, single submitter (1 of 4 stars). 2 submissions from 2 submitters: Likely benign (1). 1 of the submissions does not count toward it. Last evaluated 2025-01-23.

Conditions:
HGF-related disorder. Also called: HGF-related condition.

Allele frequency attached by ClinVar (database versions not stated): TOPMed 0.00015; gnomAD 0.00001; gnomAD exomes 0.00001; ExAC 0.00002.
gnomAD v4.1: 25 of 1,515,146 alleles (0.0017%); highest among the groups gnomAD compares: Non-Finnish European, 0.00082%; no homozygotes.

Submissions (2):

Labcorp Genetics (formerly Invitae), Labcorp
Classification: Likely benign. Last evaluated: 2025-01-23. Review status: criteria provided, single submitter. Criteria: Invitae Variant Classification Sherloc (09022015). Collection method: clinical testing. Allele origin: germline.

PreventionGenetics, part of Exact Sciences
Classification: Likely benign for HGF-related condition. Last evaluated: 2021-06-02. Review status: no assertion criteria provided. Collection method: clinical testing. Allele origin: germline. Not counted in ClinVar's aggregate classification.
Comment: This variant is classified as likely benign based on ACMG/AMP sequence variant interpretation guidelines (Richards et al. 2015 PMID: 25741868, with internal and published modifications).

NM_000601.6(HGF):c.1758-8G>A

Gene: HGF (hepatocyte growth factor; minus strand). Cytogenetic location: 7q21.11.
Variant type: single nucleotide variant.
Coding change: c.1758-8G>A on transcript NM_000601.6 (MANE Select); 8 bases into the intron before coding-DNA position 1758, G replaced by A.
Molecular consequence: intron variant.
Genome position (GRCh38, 1-based): chr7:81,705,761, C>T on the plus strand (G>A on the coding strand, the complement: HGF is on the minus strand). VCF-style: chr7-81705761-C-T. GRCh37 (hg19) VCF-style: chr7-81335077-C-T.
Other names: c.1758-8G>A (NM_000601.5); c.1743-8G>A (NM_001010932.3).
Identifiers: ClinVar variation 2976517 (VCV002976517.5), dbSNP rs745648975, ClinGen allele CA4316808.